The following is an entry in ClinVar:

ClinVar aggregate classification (germline): Likely benign. Review status: criteria provided, multiple submitters, no conflicts (2 of 4 stars). 3 submissions from 3 submitters: Likely benign (3). Last evaluated 2025-09-26.

Conditions:
PROM1-related disorder. Also called: PROM1-related condition; PROM1-related disorders.

Allele frequency attached by ClinVar (database versions not stated): gnomAD exomes 0.00001 and 0.00004; ExAC 0.00002; TOPMed 0.00002; gnomAD 0.00003.
gnomAD v4.1: 65 of 1,602,894 alleles (0.0041%); highest among the groups gnomAD compares: Non-Finnish European, 0.0048%; no homozygotes.

Submissions (3):

Labcorp Genetics (formerly Invitae), Labcorp
Classification: Likely benign. Last evaluated: 2025-09-26. Review status: criteria provided, single submitter. Criteria: Invitae Variant Classification Sherloc (09022015). Collection method: clinical testing. Allele origin: germline.

PreventionGenetics, part of Exact Sciences
Classification: Likely benign for PROM1-related condition. Last evaluated: 2025-03-20. Review status: criteria provided, single submitter. Criteria: ACMG Guidelines, 2015. Collection method: clinical testing. Allele origin: germline.
Comment: This variant is classified as likely benign based on ACMG/AMP sequence variant interpretation guidelines (Richards et al. 2015 PMID: 25741868, with internal and published modifications).

Blueprint Genetics
Classification: Likely benign. Last evaluated: 2022-09-21. Review status: criteria provided, single submitter. Criteria: ACMG Guidelines, 2015. Collection method: clinical testing. Allele origin: germline.

NM_006017.3(PROM1):c.1926C>T (p.Pro642=)

Gene: PROM1 (prominin 1; minus strand). Cytogenetic location: 4p15.32.
Variant type: single nucleotide variant.
Coding change: c.1926C>T on transcript NM_006017.3 (MANE Select); coding-DNA position 1926, C replaced by T.
Protein change: p.Pro642=; no amino-acid change (proline 642 retained).
Molecular consequence: synonymous variant.
Genome position (GRCh38, 1-based): chr4:15,991,279, G>A on the plus strand (C>T on the coding strand, the complement: PROM1 is on the minus strand). VCF-style: chr4-15991279-G-A. GRCh37 (hg19) VCF-style: chr4-15992902-G-A.
Other names: c.1926C>T (NM_006017.2); c.1899C>T, p.Pro633= (NM_001145847.2, NM_001145848.2, NM_001145851.2 and 4 more transcripts); c.1926C>T, p.Pro642= (NM_001145849.2, NM_001145850.2).
Identifiers: ClinVar variation 1135859 (VCV001135859.11), dbSNP rs765486588, ClinGen allele CA2866584.